The following is an entry in ClinVar:

NM_000310.4(PPT1):c.424C>T (p.Gln142Ter)

Gene: PPT1 (palmitoyl-protein thioesterase 1; minus strand). Cytogenetic location: 1p34.2.
Variant type: single nucleotide variant.
Coding change: c.424C>T on transcript NM_000310.4 (MANE Select); coding-DNA position 424, C replaced by T.
Protein change: p.Gln142Ter; replaces glutamine 142 with a stop codon.
Molecular consequence: nonsense. On other transcripts: intron variant (1).
Genome position (GRCh38, 1-based): chr1:40,091,338, G>A on the plus strand (C>T on the coding strand, the complement: PPT1 is on the minus strand). VCF-style: chr1-40091338-G-A. GRCh37 (hg19) VCF-style: chr1-40557010-G-A.
Other names: p.Q142*:CAA>TAA; c.424C>T, p.Gln142Ter (NM_001363695.2); c.125-1826C>T (NM_001142604.2); short protein forms Q142*.
Identifiers: ClinVar variation 206645 (VCV000206645.12), dbSNP rs796052925, ClinGen allele CA316930.

ClinVar aggregate classification (germline): Pathogenic/Likely pathogenic. Review status: criteria provided, multiple submitters, no conflicts (2 of 4 stars). 5 submissions from 5 submitters: Pathogenic (2); Likely pathogenic (2). 1 of the submissions does not count toward it. Last evaluated 2026-01-15.

Conditions:
Neuronal ceroid lipofuscinosis 1 (CLN1). Also called: CEROID LIPOFUSCINOSIS, NEURONAL, 1, VARIABLE AGE AT ONSET; PPT1-Related Neuronal Ceroid-Lipofuscinosis. Identifiers: Orphanet 228329, MedGen C1850451, MONDO:0009744, OMIM 256730.

Allele frequency attached by ClinVar (database versions not stated): gnomAD exomes below 0.00001; gnomAD 0.00001; TOPMed 0.00001.

Submissions (5):

Natera, Inc.
Classification: Likely pathogenic for Neuronal ceroid lipofuscinosis 1. Last evaluated: 2026-01-15. Review status: criteria provided, single submitter. Criteria: Natera Variant Classification Schema (03/2026). Collection method: clinical testing. Allele origin: germline.
Comment: The c.424C>T variant in PPT1 is a nonsense variant predicted to introduce a stop codon at amino acid 142. This variant is expected to result in nonsense mediated decay, truncation, or a dysfunctional protein product. This variant is rare in the general population with a frequency below the threshold expected for the associated phenotype(s). Given the available evidence, this variant is classified as Likely Pathogenic.

Labcorp Genetics (formerly Invitae), Labcorp
Classification: Pathogenic for Neuronal ceroid lipofuscinosis 1. Last evaluated: 2025-07-28. Review status: criteria provided, single submitter. Criteria: Invitae Variant Classification Sherloc (09022015). Collection method: clinical testing. Allele origin: germline.
Comment: This sequence change creates a premature translational stop signal (p.Gln142*) in the PPT1 gene. It is expected to result in an absent or disrupted protein product. Loss-of-function variants in PPT1 are known to be pathogenic (PMID: 10679943, 21990111). This variant is not present in population databases (gnomAD no frequency). This variant has not been reported in the literature in individuals affected with PPT1-related conditions. ClinVar contains an entry for this variant (Variation ID: 206645). For these reasons, this variant has been classified as Pathogenic.

Baylor Genetics
Classification: Likely pathogenic for Neuronal ceroid lipofuscinosis 1. Last evaluated: 2023-09-30. Review status: criteria provided, single submitter. Criteria: ACMG Guidelines, 2015. Collection method: clinical testing. Allele origin: unknown.

GeneDx
Classification: Pathogenic. Last evaluated: 2020-06-26. Review status: criteria provided, single submitter. Criteria: GeneDx Variant Classification Process June 2021. Collection method: clinical testing. Allele origin: germline. Affected: yes.
Comment: Nonsense variant predicted to result in protein truncation or nonsense mediated decay in a gene for which loss-of-function is a known mechanism of disease; Not observed in large population cohorts (Lek et al., 2016); Has not been previously published as pathogenic or benign to our knowledge

Counsyl
Classification: Likely pathogenic for Neuronal ceroid lipofuscinosis 1. Last evaluated: 2016-03-29. Review status: no assertion criteria provided. Collection method: clinical testing. Allele origin: unknown. Not counted in ClinVar's aggregate classification.

Literature cited by the submitters: PubMed 10679943 (cited by Labcorp Genetics (formerly Invitae), Labcorp); PubMed 21990111 (cited by Labcorp Genetics (formerly Invitae), Labcorp).